The following is an entry in ClinVar:

NM_000330.4(RS1):c.647T>C (p.Leu216Pro)

Genes: CDKL5 (cyclin dependent kinase like 5; plus strand), RS1 (retinoschisin 1; minus strand). Cytogenetic location: Xp22.13.
Variant type: single nucleotide variant.
Coding change: c.647T>C on transcript NM_000330.4 (MANE Select); coding-DNA position 647, T replaced by C.
Protein change: p.Leu216Pro; replaces leucine 216 with proline.
Molecular consequence: missense variant. On other transcripts: intron variant (2).
Genome position (GRCh38, 1-based): chrX:18,642,032, A>G on the plus strand (T>C on the coding strand, the complement: RS1 is on the minus strand). VCF-style: chrX-18642032-A-G. GRCh37 (hg19) VCF-style: chrX-18660152-A-G.
Other names: NM_000330.4(RS1):c.647T>C; c.2714-3975A>G (NM_003159.3, NM_001037343.2); short protein forms L216P.
Identifiers: ClinVar variation 99014 (VCV000099014.9), dbSNP rs281865368, ClinGen allele CA226839.

ClinVar aggregate classification (germline): Likely pathogenic. Review status: reviewed by expert panel (3 of 4 stars). 4 submissions from 4 submitters: Likely pathogenic (1). 3 of the submissions do not count toward it. Last evaluated 2025-05-19.

Conditions:
RS1-related disorder. Also called: RS1-related condition.
Juvenile retinoschisis (RS1). Also called: X-Linked Juvenile Retinoschisis; X-linked retinoschisis. Identifiers: Orphanet 792, MedGen C3714753, MONDO:0010725, OMIM 312700.

Submissions (4):

ClinGen X-linked Inherited Retinal Disease Variant Curation Expert Panel, ClinGen
Classification: Likely pathogenic for Juvenile retinoschisis. Last evaluated: 2025-05-19. Review status: reviewed by expert panel. Criteria: ClinGen X LinkedIRD ACMG Specifications RS1 V1.0.0. Collection method: curation. Allele origin: germline. Inheritance: X-linked inheritance.
Comment: The NM_000330.4(RS1):c.647T>C variant is a missense variant encoding the substitution of Leucine with Proline at amino acid 216. This variant is absent from hemizygous individuals in gnomAD v4.1.0 (PM2_Supporting). The computational predictor REVEL gives a score of 0.969, which is above the ClinGen X-linked IRD VCEP threshold of >0.932 and predicts a damaging effect on RS1 function (PP3_strong). The computational splicing predictor SpliceAI gives a delta score of 0.00 for all predictive splice changes, which is below the ClinGen X-linked IRD VCEP threshold of >0.2 and does not predict that the variant disrupts RS1 splicing. At least one proband harboring this variant exhibits a phenotype including appearance of schisis and reduced visual acuity before age 13 years, which together are specific for X-linked retinoschisis (PMID: 33460243, PP4). This variant has been reported in at least 3 apparently unrelated probands meeting the PS4 requirements of a male diagnosed with X-linked retinoschisis (PMIDs: 19324861, 19390641, 34822951, PS4_Moderate). In summary, this variant is classified as likely pathogenic for X-linked retinoschisis based on the ClinGen X-linked Inherited Retinal Disease Expert Panel Specifications to the ACMG/AMP Variant Interpretation Guidelines for RS1 Version 1.0.0: PM2_supporting, PP3_strong, PP4, and PS4_moderate (date of approval 01/24/2025).

Labcorp Genetics (formerly Invitae), Labcorp
Classification: Pathogenic. Last evaluated: 2023-03-24. Review status: criteria provided, single submitter. Criteria: Invitae Variant Classification Sherloc (09022015). Collection method: clinical testing. Allele origin: germline. Not counted in ClinVar's aggregate classification.
Comment: This sequence change replaces leucine, which is neutral and non-polar, with proline, which is neutral and non-polar, at codon 216 of the RS1 protein (p.Leu216Pro). This variant is not present in population databases (gnomAD no frequency). This missense change has been observed in individual(s) with retinoschisis (PMID: 9618178, 19324861, 19390641, 33460243, 34822951). ClinVar contains an entry for this variant (Variation ID: 99014). Advanced modeling of protein sequence and biophysical properties (such as structural, functional, and spatial information, amino acid conservation, physicochemical variation, residue mobility, and thermodynamic stability) performed at Invitae indicates that this missense variant is expected to disrupt RS1 protein function. For these reasons, this variant has been classified as Pathogenic.

Blueprint Genetics
Classification: Pathogenic for RS1-related disorders. Last evaluated: 2022-03-18. Review status: criteria provided, single submitter. Criteria: ACMG Guidelines, 2015. Collection method: clinical testing. Allele origin: germline. Affected: yes. Observed: 2 variant alleles. Not counted in ClinVar's aggregate classification.

Retina International
No classification provided. Review status: no classification provided. Collection method: not provided. Allele origin: unknown. Not counted in ClinVar's aggregate classification.

Literature cited by the submitters: PubMed 9618178 (cited by Labcorp Genetics (formerly Invitae), Labcorp); PubMed 19324861 (cited by Labcorp Genetics (formerly Invitae), Labcorp); PubMed 19390641 (cited by Labcorp Genetics (formerly Invitae), Labcorp); PubMed 33460243 (cited by Labcorp Genetics (formerly Invitae), Labcorp); PubMed 34822951 (cited by Labcorp Genetics (formerly Invitae), Labcorp).